The following is an entry in ClinVar:

NM_015272.5(RPGRIP1L):c.1566_1569del (p.Asn523fs)

Gene: RPGRIP1L (RPGRIP1 like; minus strand). Cytogenetic location: 16q12.2.
Variant type: Deletion.
Coding change: c.1566_1569del on transcript NM_015272.5 (MANE Select); coding-DNA positions 1566 to 1569, 4 bases deleted (TAAT; older notation c.1566_1569delTAAT).
Protein change: p.Asn523fs; shifts the reading frame from asparagine 523.
Molecular consequence: frameshift variant.
Genome position (GRCh38, 1-based): chr16:53,657,465-53,657,468, ATTA deleted on the plus strand (TAAT on the coding strand, the reverse complement: RPGRIP1L is on the minus strand); deleting any 4 consecutive bases within chr16:53,657,465-53,657,471 gives the same sequence; the c. name uses the placement nearest the transcript's 3' end. VCF-style (leftmost placement, unchanged base first): chr16-53657464-TATTA-T. GRCh37 (hg19) VCF-style: chr16-53691376-TATTA-T.
Other names: c.1566_1569del, p.Asn523fs (NM_001127897.4, NM_001308334.3, NM_001330538.2); short protein forms N523fs.
Identifiers: ClinVar variation 1394095 (VCV001394095.6), dbSNP rs2151156278, ClinGen allele CA2573152399.

ClinVar aggregate classification (germline): Pathogenic (1 of 4 stars; one submission).

Conditions:
Joubert syndrome. Also called: CEREBELLOPARENCHYMAL DISORDER IV; JOUBERT-BOLTSHAUSER SYNDROME; Familial aplasia of the vermis. Identifiers: Orphanet 475, MedGen C5979921, MONDO:0018772.
Meckel-Gruber syndrome. Also called: DYSENCEPHALIA SPLANCHNOCYSTICA; GRUBER SYNDROME; Dysencephalia splachnocystica. Identifiers: Orphanet 564, MedGen C0265215, MONDO:0018921.

Submission:

Labcorp Genetics (formerly Invitae), Labcorp
Classification: Pathogenic for Joubert syndrome; Meckel-Gruber syndrome. Last evaluated: 2022-09-19. Review status: criteria provided, single submitter. Criteria: Invitae Variant Classification Sherloc (09022015). Collection method: clinical testing. Allele origin: germline.
Comment: For these reasons, this variant has been classified as Pathogenic. ClinVar contains an entry for this variant (Variation ID: 1394095). This variant has not been reported in the literature in individuals affected with RPGRIP1L-related conditions. This variant is not present in population databases (gnomAD no frequency). This sequence change creates a premature translational stop signal (p.Asn523Lysfs*10) in the RPGRIP1L gene. It is expected to result in an absent or disrupted protein product. Loss-of-function variants in RPGRIP1L are known to be pathogenic (PMID: 17558409).

Literature cited by the submitters: PubMed 17558409.